The following is an entry in ClinVar:

ClinVar aggregate classification (germline): Conflicting classifications of pathogenicity. Review status: criteria provided, conflicting classifications (1 of 4 stars). 3 submissions from 3 submitters: Uncertain significance (2); Likely benign (1). Last evaluated 2026-04-05.

Conditions:
Hereditary hemorrhagic telangiectasia (HHT). Also called: ORW DISEASE; Osler Weber Rendu syndrome; OSLER-RENDU-WEBER DISEASE; Osler hemorrhagic telangiectasia syndrome. Identifiers: Orphanet 774, MedGen C0039445, MONDO:0019180. Disease mechanism: loss of function.
Telangiectasia, hereditary hemorrhagic, type 1 (HHT1). Also called: Osler Weber Rendu syndrome type 1; ENG-Related Hereditary Hemorrhagic Telangiectasia. Identifiers: Orphanet 774, MedGen C4551861, MONDO:0008535, OMIM 187300. Disease mechanism: loss of function.
ENG-related disorder. Also called: ENG-related condition; ENG-related disorders.

Allele frequency attached by ClinVar (database versions not stated): gnomAD exomes 0.00001; gnomAD 0.00002; TOPMed 0.00003.
gnomAD v4.1: 18 of 1,524,942 alleles (0.0012%); highest among the groups gnomAD compares: South Asian, 0.006%; 1 homozygote.

Submissions (3):

PreventionGenetics, part of Exact Sciences
Classification: Likely benign for ENG-related condition. Last evaluated: 2026-04-05. Review status: criteria provided, single submitter. Criteria: ACMG Guidelines, 2015. Collection method: clinical testing. Allele origin: germline.
Comment: This variant is classified as likely benign based on ACMG/AMP sequence variant interpretation guidelines (Richards et al. 2015 PMID: 25741868, with internal and published modifications).

Labcorp Genetics (formerly Invitae), Labcorp
Classification: Uncertain significance for Hereditary hemorrhagic telangiectasia. Last evaluated: 2023-01-01. Review status: criteria provided, single submitter. Criteria: Invitae Variant Classification Sherloc (09022015). Collection method: clinical testing. Allele origin: germline.
Comment: In summary, the available evidence is currently insufficient to determine the role of this variant in disease. Therefore, it has been classified as a Variant of Uncertain Significance. Experimental studies and prediction algorithms are not available or were not evaluated, and the functional significance of this variant is currently unknown. ClinVar contains an entry for this variant (Variation ID: 912362). This variant has not been reported in the literature in individuals affected with ENG-related conditions. This variant is present in population databases (no rsID available, gnomAD 0.007%). This variant occurs in a non-coding region of the ENG gene. It does not change the encoded amino acid sequence of the ENG protein.

Illumina Laboratory Services, Illumina
Classification: Uncertain significance for Telangiectasia, hereditary hemorrhagic, type 1. Last evaluated: 2018-01-13. Review status: criteria provided, single submitter. Criteria: ICSL Variant Classification Criteria 13 December 2019. Collection method: clinical testing. Allele origin: germline.

NM_001114753.3(ENG):c.-59C>T

Gene: ENG (endoglin; minus strand). Cytogenetic location: 9q34.11.
Variant type: single nucleotide variant.
Coding change: c.-59C>T on transcript NM_001114753.3 (MANE Select); 59 bases upstream of the start codon, C replaced by T.
Molecular consequence: 5 prime UTR variant.
Genome position (GRCh38, 1-based): chr9:127,854,414, G>A on the plus strand (C>T on the coding strand, the complement: ENG is on the minus strand). VCF-style: chr9-127854414-G-A. GRCh37 (hg19) VCF-style: chr9-130616693-G-A.
Other names: c.-59C>T (NM_000118.4, NM_001406715.1).
Identifiers: ClinVar variation 912362 (VCV000912362.9), dbSNP rs1003149967, ClinGen allele CA200326762.